The following is an entry in ClinVar:

NM_004415.4(DSP):c.3067A>G (p.Ser1023Gly)

Gene: DSP (desmoplakin; plus strand). Cytogenetic location: 6p24.3.
Variant type: single nucleotide variant.
Coding change: c.3067A>G on transcript NM_004415.4 (MANE Select); coding-DNA position 3067, A replaced by G.
Protein change: p.Ser1023Gly; replaces serine 1023 with glycine.
Molecular consequence: missense variant.
Genome position (GRCh38, 1-based): chr6:7,578,545, A>G. VCF-style: chr6-7578545-A-G. GRCh37 (hg19) VCF-style: chr6-7578778-A-G.
Other names: c.3067A>G, p.Ser1023Gly (NM_001008844.3, NM_001319034.2); short protein forms S1023G.
Identifiers: ClinVar variation 3505505 (VCV003505505.1).

ClinVar aggregate classification (germline): Uncertain significance (1 of 4 stars; one submission).

Conditions:
Cardiovascular phenotype. Identifiers: MedGen CN230736.

Submission:

Ambry Genetics
Classification: Uncertain significance for Cardiovascular phenotype. Last evaluated: 2024-10-14. Review status: criteria provided, single submitter. Criteria: Ambry Variant Classification Scheme 2023. Collection method: clinical testing. Allele origin: germline.
Comment: The p.S1023G variant (also known as c.3067A>G), located in coding exon 22 of the DSP gene, results from an A to G substitution at nucleotide position 3067. The serine at codon 1023 is replaced by glycine, an amino acid with similar properties. This amino acid position is conserved. In addition, the in silico prediction for this alteration is inconclusive. Based on the available evidence, the clinical significance of this variant remains unclear.